The following is an entry in ClinVar:

ClinVar aggregate classification (germline): Uncertain significance (1 of 4 stars; one submission).

Conditions:
Hereditary cancer-predisposing syndrome. Also called: Hereditary neoplastic syndrome; Neoplastic Syndromes, Hereditary; Tumor predisposition; Hereditary Cancer Syndrome. Identifiers: Orphanet 140162, MedGen C0027672, MeSH D009386, MONDO:0015356.

Submission:

Ambry Genetics
Classification: Uncertain significance for Hereditary cancer-predisposing syndrome. Last evaluated: 2025-08-27. Review status: criteria provided, single submitter. Criteria: Ambry Variant Classification Scheme 2023. Collection method: clinical testing. Allele origin: germline.
Comment: The p.A30G variant (also known as c.89C>G), located in coding exon 2 of the MUTYH gene, results from a C to G substitution at nucleotide position 89. The alanine at codon 30 is replaced by glycine, an amino acid with similar properties. This amino acid position is conserved. In addition, this alteration is predicted to be tolerated by in silico analysis. Based on the available evidence, the clinical significance of this variant remains unclear.

NM_001048174.2(MUTYH):c.47C>G (p.Ala16Gly)

Gene: MUTYH (mutY DNA glycosylase; minus strand). Cytogenetic location: 1p34.1.
Variant type: single nucleotide variant.
Coding change: c.47C>G on transcript NM_001048174.2 (MANE Select); coding-DNA position 47, C replaced by G.
Protein change: p.Ala16Gly; replaces alanine 16 with glycine.
Molecular consequence: missense variant. On other transcripts: 5 prime UTR variant (7), non-coding transcript variant (7).
Genome position (GRCh38, 1-based): chr1:45,334,459, G>C on the plus strand (C>G on the coding strand, the complement: MUTYH is on the minus strand). VCF-style: chr1-45334459-G-C. GRCh37 (hg19) VCF-style: chr1-45800131-G-C.
Other names: c.89C>G, p.Ala30Gly (NM_001293190.2, NM_001407069.1, NM_001407073.1 and 2 more transcripts); c.47C>G, p.Ala16Gly (NM_001293191.2, NM_001293195.2, NM_001407070.1 and 15 more transcripts); c.-166C>G (NM_001293192.2, NM_001293196.2, NM_001407091.1); c.-225C>G (NM_001350650.2); c.-161C>G (NM_001350651.2, NM_001407082.1); c.-110C>G (NM_001407075.1); c.65C>G, p.Ala22Gly (NM_001407087.1); short protein forms A30G, A16G, A22G.
Identifiers: ClinVar variation 4113897 (VCV004113897.1).
Genomic context (GRCh38, chr1:45,334,459, plus strand): 5'-GCAGAAGGCTTGGCCTGACTGTTGTTCTTAGCATGCTTCTGCCTCCCTTCCTGGCTGGCT[G>C]CCTGCTTCCTGTGACCACTTCCCACGGCTGCTCGTGGCTTCCTCATGATGGCCTGAAACA-3'
Protein context (NP_001041639.1, residues 6-26): AAVGSGHRKQ[Ala16Gly]ASQEGRQKHA